The following is an entry in ClinVar:

NM_001384474.1(LOXHD1):c.6342-1G>A

Gene: LOXHD1 (lipoxygenase homology PLAT domains 1; minus strand). Cytogenetic location: 18q21.1.
Variant type: single nucleotide variant.
Coding change: c.6342-1G>A on transcript NM_001384474.1 (MANE Select); the canonical splice acceptor site of the intron before coding-DNA position 6342, G replaced by A.
Molecular consequence: splice acceptor variant.
Genome position (GRCh38, 1-based): chr18:46,477,953, C>T on the plus strand (G>A on the coding strand, the complement: LOXHD1 is on the minus strand). VCF-style: chr18-46477953-C-T. GRCh37 (hg19) VCF-style: chr18-44057916-C-T.
Other names: c.3009-1G>A (NM_001145472.3); c.2721-1G>A (NM_001308013.2); c.1059-1G>A (NM_001173129.2, NM_001145473.3); c.6156-1G>A (NM_144612.7).
Identifiers: ClinVar variation 2445663 (VCV002445663.3), dbSNP rs2511335695, ClinGen allele CA402363154.

ClinVar aggregate classification (germline): Likely pathogenic. Review status: criteria provided, multiple submitters, no conflicts (2 of 4 stars). 2 submissions from 2 submitters: Likely pathogenic (2). Last evaluated 2026-03-20.

Conditions:
Autosomal recessive nonsyndromic hearing loss 77. Identifiers: Orphanet 90636, MedGen C2746083, MONDO:0013119, OMIM 613079.

Submissions (2):

Dasa
Classification: Likely pathogenic. Last evaluated: 2026-03-20. Review status: criteria provided, single submitter. Criteria: DASA Assertion Criteria. Collection method: clinical testing. Allele origin: germline.
Comment: NM_001384474.1(LOXHD1):c.6342-1G>A affects a canonical splice site and is predicted to disrupt normal RNA splicing. Loss of function is an established disease mechanism for LOXHD1-associated disorders. Also, this variant is rare in population databases. Based on the currently available evidence, this variant is classified as likely pathogenic.

King Laboratory, University of Washington
Classification: Likely pathogenic for Autosomal recessive nonsyndromic hearing loss 77. Last evaluated: 2023-02-28. Review status: criteria provided, single submitter. Criteria: Li et al. (Genet Med. 2022). Collection method: research. Allele origin: unknown. Affected: yes.
Comment: This variant occurred in compound heterozygosity with a LOXHD1 missense variant in two siblings with bilateral sensorineural hearing loss of onset <18 years, in a study of pediatric hearing loss conducted by the King Laboratory (Carlson RJ et al. JAMA-OtoHNS 2023). These siblings’ family has no other history of hearing loss. This variant is a single base pair substitution that is predicted to alter splicing. At the acceptor splice of LOXHD1 exon 40, the sequence change is ctctcccacctctctgccag|GTA > ctctcccacctctctgccaa|GTA, NNSPLICE is 0.81 and 0.02 and MaxEnt is 9.25 and 1.29 for reference and mutant sequences, respectively. A cryptic acceptor splice is predicted in the sequence of exon 40 with NNSPLICE 0.72 and MaxEnt 6.80. Consequences of altered splicing are (a) loss of exon 40 with transcript extension from exon 39 into intron 39, or (b) activation of the cryptic acceptor splice resulting in an in-frame 420bp message deletion and the loss of 140 amino acids. As of January 2023, this variant has not been reported to ClinVar and is not found on gnomAD. Based on the prediction that this variant leads to a truncated protein, co-segregation with the phenotype in the family, and goodness of fit of genotype to phenotype, we conclude that this variant is likely pathogenic.

Literature cited by the submitters: PubMed 36633841 (cited by King Laboratory, University of Washington).